The following is an entry in ClinVar:

NM_001079.4(ZAP70):c.890-16C>T

Gene: ZAP70 (zeta chain of T cell receptor associated protein kinase 70; plus strand). Cytogenetic location: 2q11.2.
Variant type: single nucleotide variant.
Coding change: c.890-16C>T on transcript NM_001079.4 (MANE Select); 16 bases into the intron before coding-DNA position 890, C replaced by T.
Molecular consequence: intron variant. On other transcripts: 5 prime UTR variant (1).
Genome position (GRCh38, 1-based): chr2:97,734,504, C>T. VCF-style: chr2-97734504-C-T. GRCh37 (hg19) VCF-style: chr2-98350967-C-T.
Other names: c.-48C>T (NM_207519.2); c.890-16C>T (NM_001378594.1).
Identifiers: ClinVar variation 633449 (VCV000633449.12), dbSNP rs191682943, ClinGen allele CA1790313.
Genomic context (GRCh38, chr2:97,734,504, plus strand): 5'-GCTTGTGGGGGCTGAGGCTGCCTTGCTCCCCACACCCCTGCCCCTGACCTGGGAGTGTAC[C>T]GCTGTGTGTGCCCAGCACGCATAACGTCCCCAGACAAACCGCGGCCGATGCCCATGGACA-3'

ClinVar aggregate classification (germline): Benign. Review status: criteria provided, multiple submitters, no conflicts (2 of 4 stars). 3 submissions from 3 submitters: Benign (3). Last evaluated 2026-02-01.

Conditions:
Combined immunodeficiency due to ZAP70 deficiency (IMD48). Also called: Immunodeficiency 48; ZAP70 Deficiency. Identifiers: Orphanet 911, MedGen C2931299, MONDO:0010023, OMIM 269840.

Allele frequency attached by ClinVar (database versions not stated): gnomAD 0.00496 and 0.00532; ESP Exome Variant Server 0.00484; gnomAD exomes 0.00127; 1000 Genomes Project 0.00539; TOPMed 0.00544; ExAC 0.00215; 1000 Genomes Project 30x 0.00625.

Submissions (3):

Labcorp Genetics (formerly Invitae), Labcorp
Classification: Benign for Combined immunodeficiency due to ZAP70 deficiency. Last evaluated: 2026-02-01. Review status: criteria provided, single submitter. Criteria: Invitae Variant Classification Sherloc (09022015). Collection method: clinical testing. Allele origin: germline.

Women's Health and Genetics/Laboratory Corporation of America, LabCorp
Classification: Benign. Last evaluated: 2018-01-18. Review status: criteria provided, single submitter. Criteria: LabCorp Variant Classification Summary - May 2015. Collection method: clinical testing. Allele origin: germline.
Comment: Variant summary: The ZAP70 c.890-16C>T variant involves the alteration of a non-conserved intronic nucleotide. One in silico tool predicts a benign outcome for this variant. 5/5 splice prediction tools predict no significant impact on normal splicing. However, these predictions have yet to be confirmed by functional studies. This variant was found in 430/271832 control chromosomes (9 homozygotes), predominantly observed in the African subpopulation at a frequency of 0.016578 (392/23646). This frequency is about 41 times the estimated maximal expected allele frequency of a pathogenic ZAP70 variant (0.0004082), suggesting this is likely a benign polymorphism found primarily in the populations of African origin. The variant of interest has not, to our knowledge, been reported in affected individuals via publications and/or reputable databases/clinical diagnostic laboratories; nor evaluated for functional impact by in vivo/vitro studies. Taken together, this variant is classified as benign.

GeneDx
Classification: Benign. Last evaluated: 2015-03-03. Review status: criteria provided, single submitter. Criteria: GeneDx Variant Classification Process June 2021. Collection method: clinical testing. Allele origin: germline. Affected: yes.